The following is an entry in ClinVar:

ClinVar aggregate classification (germline): Pathogenic (1 of 4 stars; one submission).

Conditions:
Fanconi anemia (FA). Also called: Fanconi's anemia. Identifiers: Orphanet 84, MedGen C0015625, MeSH D005199, MONDO:0019391.

Submission:

Labcorp Genetics (formerly Invitae), Labcorp
Classification: Pathogenic for Fanconi anemia. Last evaluated: 2020-04-16. Review status: criteria provided, single submitter. Criteria: Invitae Variant Classification Sherloc (09022015). Collection method: clinical testing. Allele origin: germline.
Comment: For these reasons, this variant has been classified as Pathogenic. Loss-of-function variants in FANCM are known to be pathogenic (PMID: 29895858, 30075111). This variant has not been reported in the literature in individuals with FANCM-related conditions. This variant is not present in population databases (ExAC no frequency). This sequence change creates a premature translational stop signal (p.Leu1149Phefs*6) in the FANCM gene. It is expected to result in an absent or disrupted protein product.

Literature cited by the submitters: PubMed 29895858; PubMed 30075111.

NM_020937.4(FANCM):c.3442_3443del (p.Leu1149fs)

Gene: FANCM (FA complementation group M; plus strand). Cytogenetic location: 14q21.2.
Variant type: Deletion.
Coding change: c.3442_3443del on transcript NM_020937.4 (MANE Select); coding-DNA positions 3442 to 3443, 2 bases deleted (AG; older notation c.3442_3443delAG).
Protein change: p.Leu1149fs; shifts the reading frame from leucine 1149.
Molecular consequence: frameshift variant.
Genome position (GRCh38, 1-based): chr14:45,176,196-45,176,197, AG deleted; deleting any 2 consecutive bases within chr14:45,176,195-45,176,197 gives the same sequence; the c. name uses the placement nearest the transcript's 3' end. VCF-style (leftmost placement, unchanged base first): chr14-45176194-TGA-T. GRCh37 (hg19) VCF-style: chr14-45645397-TGA-T.
Other names: c.3364_3365del, p.Leu1123fs (NM_001308133.2); short protein forms L1149fs, L1123fs.
Identifiers: ClinVar variation 841360 (VCV000841360.7), dbSNP rs1888681090, ClinGen allele CA916081715.